The following is an entry in ClinVar:

NM_000548.5(TSC2):c.1477C>T (p.Leu493Phe)

Gene: TSC2 (TSC complex subunit 2; plus strand). Cytogenetic location: 16p13.3.
Variant type: single nucleotide variant.
Coding change: c.1477C>T on transcript NM_000548.5 (MANE Select); coding-DNA position 1477, C replaced by T.
Protein change: p.Leu493Phe; replaces leucine 493 with phenylalanine.
Molecular consequence: missense variant.
Genome position (GRCh38, 1-based): chr16:2,064,305, C>T. VCF-style: chr16-2064305-C-T. GRCh37 (hg19) VCF-style: chr16-2114306-C-T.
Other names: p.L493F:CTC>TTC; c.1477C>T, p.Leu493Phe (NM_001077183.3, NM_001114382.3, NM_001363528.2 and 3 more transcripts); c.1366C>T, p.Leu456Phe (NM_001318827.2); c.1330C>T, p.Leu444Phe (NM_001318829.2); c.877C>T, p.Leu293Phe (NM_001318831.2); c.1510C>T, p.Leu504Phe (NM_001318832.2); short protein forms L493F, L293F, L504F, L444F, L456F.
Identifiers: ClinVar variation 207716 (VCV000207716.7), dbSNP rs45517177, ClinGen allele CA319444.

ClinVar aggregate classification (germline): Uncertain significance. Review status: criteria provided, multiple submitters, no conflicts (2 of 4 stars). 2 submissions from 2 submitters: Uncertain significance (2). Last evaluated 2022-09-01.

Conditions:
Tuberous sclerosis 2 (TSC2). Identifiers: Orphanet 805, MedGen C1860707, MONDO:0013199, OMIM 613254.

Submissions (2):

Labcorp Genetics (formerly Invitae), Labcorp
Classification: Uncertain significance for Tuberous sclerosis 2. Last evaluated: 2022-09-01. Review status: criteria provided, single submitter. Criteria: Invitae Variant Classification Sherloc (09022015). Collection method: clinical testing. Allele origin: germline.
Comment: Advanced modeling of protein sequence and biophysical properties (such as structural, functional, and spatial information, amino acid conservation, physicochemical variation, residue mobility, and thermodynamic stability) performed at Invitae indicates that this missense variant is not expected to disrupt TSC2 protein function. In summary, the available evidence is currently insufficient to determine the role of this variant in disease. Therefore, it has been classified as a Variant of Uncertain Significance. This variant disrupts the p.Leu493 amino acid residue in TSC2. Other variant(s) that disrupt this residue have been determined to be pathogenic (PMID: 12111193, 22903760, 29500070; Invitae). This suggests that this residue is clinically significant, and that variants that disrupt this residue are likely to be disease-causing. ClinVar contains an entry for this variant (Variation ID: 207716). This variant has not been reported in the literature in individuals affected with TSC2-related conditions. This variant is not present in population databases (gnomAD no frequency). This sequence change replaces leucine, which is neutral and non-polar, with phenylalanine, which is neutral and non-polar, at codon 493 of the TSC2 protein (p.Leu493Phe).

GeneDx
Classification: Uncertain significance. Last evaluated: 2013-11-27. Review status: criteria provided, single submitter. Criteria: GeneDx Variant Classification (06012015). Collection method: clinical testing. Allele origin: germline. Affected: yes.
Comment: p.Leu493Phe (CTC>TTC): c.1477 C>T in exon 15 of the TSC2 gene (NM_000548.3)The Leu493Phe missense change has not been published as a mutation, nor has it been reported as a benign polymorphism to our knowledge. It was not observed in approximately 6,500 individuals of European and African American ancestry in the NHLBI Exome Sequencing Project, indicating it is not a common benign variant in these populations. This variant is a conservative substitution, as Leucine and Phenylalanine are both uncharged, non-polar amino acids. However, it alters a position that is highlyconserved across species. Additionally, other amino acid substitutions at the same position (Leu493Pro and Leu493Val) have been reported in patients with clinical features of tuberous sclerosis, and these variants were considered to be probably pathogenic based on the results of in vitro functional studies (TSC2 LOVD; Hoogeveen-Westerveld et al., 2013). In silico analysis is inconsistent with regard to the effect the Leu493Phe variant may have on the protein structure/function. Therefore, based on the currently available information, it is unclear whether Leu493Phe is a disease-causing mutation or a rare benign variant. The variant is found in EPILEPSY panel(s).

Literature cited by the submitters: PubMed 12111193 (cited by Labcorp Genetics (formerly Invitae), Labcorp); PubMed 22903760 (cited by Labcorp Genetics (formerly Invitae), Labcorp); PubMed 29500070 (cited by Labcorp Genetics (formerly Invitae), Labcorp).